The following is an entry in ClinVar:

NM_020937.4(FANCM):c.577G>T (p.Val193Phe)

Gene: FANCM (FA complementation group M; plus strand). Cytogenetic location: 14q21.2.
Variant type: single nucleotide variant.
Coding change: c.577G>T on transcript NM_020937.4 (MANE Select); coding-DNA position 577, G replaced by T.
Protein change: p.Val193Phe; replaces valine 193 with phenylalanine.
Molecular consequence: missense variant.
Genome position (GRCh38, 1-based): chr14:45,137,137, G>T. VCF-style: chr14-45137137-G-T. GRCh37 (hg19) VCF-style: chr14-45606340-G-T.
Other names: c.577G>T, p.Val193Phe (NM_001308133.2, NM_001308134.2); short protein forms V193F.
Identifiers: ClinVar variation 2963210 (VCV002963210.4), dbSNP rs1885576386, ClinGen allele CA389588753.

ClinVar aggregate classification (germline): Uncertain significance. Review status: criteria provided, multiple submitters, no conflicts (2 of 4 stars). 2 submissions from 2 submitters: Uncertain significance (2). Last evaluated 2025-02-03.

Conditions:
Inborn genetic diseases. Identifiers: MedGen C0950123, MeSH D030342.
Fanconi anemia (FA). Also called: Fanconi's anemia. Identifiers: Orphanet 84, MedGen C0015625, MeSH D005199, MONDO:0019391.

Submissions (2):

Ambry Genetics
Classification: Uncertain significance for Inborn genetic diseases. Last evaluated: 2025-02-03. Review status: criteria provided, single submitter. Criteria: Ambry Variant Classification Scheme 2023. Collection method: clinical testing. Allele origin: germline.
Comment: The p.V193F variant (also known as c.577G>T), located in coding exon 2 of the FANCM gene, results from a G to T substitution at nucleotide position 577. The valine at codon 193 is replaced by phenylalanine, an amino acid with highly similar properties. This amino acid position is conserved. In addition, the in silico prediction for this alteration is inconclusive. Based on the available evidence, the clinical significance of this variant remains unclear.

Labcorp Genetics (formerly Invitae), Labcorp
Classification: Uncertain significance for Fanconi anemia. Last evaluated: 2024-01-24. Review status: criteria provided, single submitter. Criteria: Invitae Variant Classification Sherloc (09022015). Collection method: clinical testing. Allele origin: germline.
Comment: This sequence change replaces valine, which is neutral and non-polar, with phenylalanine, which is neutral and non-polar, at codon 193 of the FANCM protein (p.Val193Phe). This variant is not present in population databases (gnomAD no frequency). This variant has not been reported in the literature in individuals affected with FANCM-related conditions. An algorithm developed to predict the effect of missense changes on protein structure and function (PolyPhen-2) suggests that this variant is likely to be disruptive. In summary, the available evidence is currently insufficient to determine the role of this variant in disease. Therefore, it has been classified as a Variant of Uncertain Significance.